The following is an entry in ClinVar:

NM_001371986.1(UNC80):c.6601C>T (p.Arg2201Cys)

Gene: UNC80 (unc-80 homolog, NALCN channel complex subunit; plus strand). Cytogenetic location: 2q34.
Variant type: single nucleotide variant.
Coding change: c.6601C>T on transcript NM_001371986.1 (MANE Select); coding-DNA position 6601, C replaced by T.
Protein change: p.Arg2201Cys; replaces arginine 2201 with cysteine.
Molecular consequence: missense variant.
Genome position (GRCh38, 1-based): chr2:209,939,607, C>T. VCF-style: chr2-209939607-C-T. GRCh37 (hg19) VCF-style: chr2-210804331-C-T.
Other names: c.6403C>T, p.Arg2135Cys (NM_032504.2); c.6388C>T, p.Arg2130Cys (NM_182587.4); short protein forms R2135C, R2201C, R2130C.
Identifiers: ClinVar variation 1373399 (VCV001373399.4), dbSNP rs2091486329, ClinGen allele CA350772126.

ClinVar aggregate classification (germline): Uncertain significance (1 of 4 stars; one submission).

Allele frequency attached by ClinVar (database versions not stated): gnomAD 0.00001; gnomAD exomes below 0.00001; TOPMed 0.00001.
gnomAD v4.1: 6 of 1,551,586 alleles (0.00039%); highest among the groups gnomAD compares: Non-Finnish European, 0.00044%; no homozygotes.

Submission:

Labcorp Genetics (formerly Invitae), Labcorp
Classification: Uncertain significance. Last evaluated: 2021-02-17. Review status: criteria provided, single submitter. Criteria: Invitae Variant Classification Sherloc (09022015). Collection method: clinical testing. Allele origin: germline.
Comment: In summary, the available evidence is currently insufficient to determine the role of this variant in disease. Therefore, it has been classified as a Variant of Uncertain Significance. Algorithms developed to predict the effect of missense changes on protein structure and function are either unavailable or do not agree on the potential impact of this missense change (SIFT: "Not Available"; PolyPhen-2: "Probably Damaging"; Align-GVGD: "Not Available"). This variant has not been reported in the literature in individuals with UNC80-related conditions. This variant is not present in population databases (ExAC no frequency). This sequence change replaces arginine with cysteine at codon 2135 of the UNC80 protein (p.Arg2135Cys). The arginine residue is moderately conserved and there is a large physicochemical difference between arginine and cysteine.